The following is an entry in ClinVar:

NM_007294.4(BRCA1):c.5194-2801A>G

Gene: BRCA1 (BRCA1 DNA repair associated; minus strand). Cytogenetic location: 17q21.31.
Variant type: single nucleotide variant.
Coding change: c.5194-2801A>G on transcript NM_007294.4 (MANE Select); 2801 bases into the intron before coding-DNA position 5194, A replaced by G.
Molecular consequence: intron variant.
Genome position (GRCh38, 1-based): chr17:43,059,936, T>C on the plus strand (A>G on the coding strand, the complement: BRCA1 is on the minus strand). VCF-style: chr17-43059936-T-C. GRCh37 (hg19) VCF-style: chr17-41211953-T-C.
Other names: IVS 19-2801A>G; c.1741-2801A>G (NM_001408458.1, NM_001408461.1, NM_001408464.1 and 7 more transcripts); c.4303-2801A>G (NM_001407967.1); c.4813-2801A>G (NM_001407959.1); c.4927-2801A>G (NM_001407931.1, NM_001407932.1, NM_001407928.1 and 4 more transcripts); c.5050-2801A>G (NM_001407747.1, NM_001407745.1, NM_001407737.1 and 21 more transcripts); c.4810-2801A>G (NM_001407962.1, NM_001407960.1); c.1381-2801A>G (NM_001408512.1); and 73 more.
Identifiers: ClinVar variation 209302 (VCV000209302.2), dbSNP rs185244474, ClinGen allele CA276274.

ClinVar aggregate classification (germline): Benign (3 of 4 stars; one submission).

Conditions:
Breast-ovarian cancer, familial, susceptibility to, 1 (BROVCA1). Also called: BRCA1 Hereditary Breast and Ovarian Cancer; OVARIAN CANCER, SUSCEPTIBILITY TO. Identifiers: Orphanet 145, MedGen C2676676, MONDO:0011450, OMIM 604370. Disease mechanism: loss of function.

Allele frequency attached by ClinVar (database versions not stated): gnomAD 0.00843 and 0.00903; TOPMed 0.00864; 1000 Genomes Project 30x 0.01249; 1000 Genomes Project 0.01298.

Submission:

Evidence-based Network for the Interpretation of Germline Mutant Alleles (ENIGMA)
Classification: Benign for Breast-ovarian cancer, familial 1. Last evaluated: 2015-01-12. Review status: reviewed by expert panel. Criteria: ENIGMA BRCA1/2 Classification Criteria (2015). Collection method: curation. Allele origin: germline.
Comment: Class 1 not pathogenic based on frequency >1% in an outbred sampleset. Frequency 0.01423 (African), derived from 1000 genomes (2012-04-30).